The following is an entry in ClinVar:

ClinVar aggregate classification (germline): Uncertain significance (1 of 4 stars; one submission).

Conditions:
Early-onset Lafora body disease. Also called: Epilepsy, progressive myoclonic, 10. Identifiers: Orphanet 324290, MedGen C4225258, MONDO:0014717, OMIM 616640.

Submission:

Labcorp Genetics (formerly Invitae), Labcorp
Classification: Uncertain significance for Early-onset Lafora body disease. Last evaluated: 2021-01-15. Review status: criteria provided, single submitter. Criteria: Invitae Variant Classification Sherloc (09022015). Collection method: clinical testing. Allele origin: germline.
Comment: This sequence change replaces isoleucine with valine at codon 55 of the PRDM8 protein (p.Ile55Val). The isoleucine residue is highly conserved and there is a small physicochemical difference between isoleucine and valine. This variant is not present in population databases (ExAC no frequency). This variant has not been reported in the literature in individuals with PRDM8-related conditions. Algorithms developed to predict the effect of missense changes on protein structure and function (SIFT, PolyPhen-2, Align-GVGD) all suggest that this variant is likely to be tolerated, but these predictions have not been confirmed by published functional studies and their clinical significance is uncertain. In summary, the available evidence is currently insufficient to determine the role of this variant in disease. Therefore, it has been classified as a Variant of Uncertain Significance.

NM_001099403.2(PRDM8):c.163A>G (p.Ile55Val)

Gene: PRDM8 (PR/SET domain 8; plus strand). Cytogenetic location: 4q21.21.
Variant type: single nucleotide variant.
Coding change: c.163A>G on transcript NM_001099403.2 (MANE Select); coding-DNA position 163, A replaced by G.
Protein change: p.Ile55Val; replaces isoleucine 55 with valine.
Molecular consequence: missense variant.
Genome position (GRCh38, 1-based): chr4:80,200,243, A>G. VCF-style: chr4-80200243-A-G. GRCh37 (hg19) VCF-style: chr4-81121397-A-G.
Other names: c.163A>G, p.Ile55Val (NM_020226.4); short protein forms I55V.
Identifiers: ClinVar variation 1425322 (VCV001425322.8), dbSNP rs2109875752, ClinGen allele CA357391722.